The following is an entry in ClinVar:

ClinVar aggregate classification (germline): Pathogenic/Likely pathogenic. Review status: criteria provided, multiple submitters, no conflicts (2 of 4 stars). 2 submissions from 2 submitters: Pathogenic (1); Likely pathogenic (1). Last evaluated 2019-07-01.

Conditions:
DICER1-related tumor predisposition. Also called: DICER1-related pleuropulmonary blastoma cancer predisposition syndrome; DICER1 syndrome. Identifiers: Orphanet 284343, MedGen C3839822, MONDO:0100216.

Submissions (2):

Foulkes Cancer Genetics LDI, Lady Davis Institute for Medical Research
Classification: Pathogenic for Pleuropulmonary blastoma. Last evaluated: 2019-07-01. Review status: criteria provided, single submitter. Criteria: ACMG Guidelines, 2015. Collection method: curation. Allele origin: germline. Affected: yes. Observed: 2 variant alleles.
Comment: ACMG criteria met: PVS1, PM2, PM7, PP4

PreventionGenetics, part of Exact Sciences
Classification: Likely pathogenic. Last evaluated: 2014-04-17. Review status: criteria provided, single submitter. Criteria: ACMG Guidelines, 2015. Collection method: clinical testing. Allele origin: germline.

Literature cited by the submitters: PubMed 24617712 (cited by Foulkes Cancer Genetics LDI, Lady Davis Institute for Medical Research); PubMed 24839956 (cited by Foulkes Cancer Genetics LDI, Lady Davis Institute for Medical Research).

NM_177438.3(DICER1):c.2379T>G (p.Tyr793Ter)

Gene: DICER1 (dicer 1, ribonuclease III; minus strand). Cytogenetic location: 14q32.13.
Variant type: single nucleotide variant.
Coding change: c.2379T>G on transcript NM_177438.3 (MANE Select); coding-DNA position 2379, T replaced by G.
Protein change: p.Tyr793Ter; replaces tyrosine 793 with a stop codon.
Molecular consequence: nonsense.
Genome position (GRCh38, 1-based): chr14:95,108,381, A>C on the plus strand (T>G on the coding strand, the complement: DICER1 is on the minus strand). VCF-style: chr14-95108381-A-C. GRCh37 (hg19) VCF-style: chr14-95574718-A-C.
Other names: c.2379T>G, p.Tyr793Ter (NM_001195573.1, NM_001271282.3, NM_001291628.2 and 1 more transcripts); short protein forms Y793*.
Identifiers: ClinVar variation 690442 (VCV000690442.5), dbSNP rs1595382041, ClinGen allele CA390882169.